The following is an entry in ClinVar:

ClinVar aggregate classification (germline): Uncertain significance (1 of 4 stars; one submission).

Conditions:
Peroxisome biogenesis disorder 11A (Zellweger). Also called: Peroxisome biogenesis disorder 11A. Identifiers: Orphanet 912, MedGen C3554000, MONDO:0013949, OMIM 614883.

Submission:

Labcorp Genetics (formerly Invitae), Labcorp
Classification: Uncertain significance for Peroxisome biogenesis disorder 11A (Zellweger). Last evaluated: 2022-02-08. Review status: criteria provided, single submitter. Criteria: Invitae Variant Classification Sherloc (09022015). Collection method: clinical testing. Allele origin: germline.
Comment: In summary, the available evidence is currently insufficient to determine the role of this variant in disease. Therefore, it has been classified as a Variant of Uncertain Significance. Algorithms developed to predict the effect of missense changes on protein structure and function (SIFT, PolyPhen-2, Align-GVGD) all suggest that this variant is likely to be tolerated. This variant has not been reported in the literature in individuals affected with PEX13-related conditions. This variant is not present in population databases (gnomAD no frequency). This sequence change replaces threonine, which is neutral and polar, with isoleucine, which is neutral and non-polar, at codon 38 of the PEX13 protein (p.Thr38Ile).

NM_002618.4(PEX13):c.113C>T (p.Thr38Ile)

Gene: PEX13 (peroxisomal biogenesis factor 13; plus strand). Cytogenetic location: 2p15.
Variant type: single nucleotide variant.
Coding change: c.113C>T on transcript NM_002618.4 (MANE Select); coding-DNA position 113, C replaced by T.
Protein change: p.Thr38Ile; replaces threonine 38 with isoleucine.
Molecular consequence: missense variant.
Genome position (GRCh38, 1-based): chr2:61,031,439, C>T. VCF-style: chr2-61031439-C-T. GRCh37 (hg19) VCF-style: chr2-61258574-C-T.
Other names: short protein forms T38I.
Identifiers: ClinVar variation 2070937 (VCV002070937.4), dbSNP rs763566050, ClinGen allele CA346940935.
Genomic context (GRCh38, chr2:61,031,439, plus strand): 5'-GTATGCTTAAATAACTGTTTTGAATCTTTTTTGGTTTTAGATCTGCTGATTTGGGTCCTA[C>T]TTTAATGACAAGACCTGGACAACCAGCACTTACCAGAGTGCCCCCACCTATTCTTCCAAG-3'
Protein context (NP_002609.1, residues 28-48): PTFQSADLGP[Thr38Ile]LMTRPGQPAL